The following is an entry in ClinVar:

ClinVar aggregate classification (germline): Uncertain significance (1 of 4 stars; one submission).

Allele frequency attached by ClinVar (database versions not stated): gnomAD exomes 0.00001; ExAC 0.00006; gnomAD 0.00013; ESP Exome Variant Server 0.00015; TOPMed 0.00015.
gnomAD v4.1: 38 of 1,584,710 alleles (0.0024%); highest among the groups gnomAD compares: African/African-American, 0.039%; no homozygotes.

Submission:

Labcorp Genetics (formerly Invitae), Labcorp
Classification: Uncertain significance. Last evaluated: 2025-06-08. Review status: criteria provided, single submitter. Criteria: Invitae Variant Classification Sherloc (09022015). Collection method: clinical testing. Allele origin: germline.
Comment: This sequence change affects codon 1555 of the NIN mRNA. It is a 'silent' change, meaning that it does not change the encoded amino acid sequence of the NIN protein. This variant also falls at the last nucleotide of exon 19, which is part of the consensus splice site for this exon. This variant is present in population databases (rs199889476, gnomAD 0.04%). This variant has not been reported in the literature in individuals affected with NIN-related conditions. ClinVar contains an entry for this variant (Variation ID: 2073269). An algorithm developed to predict the effect of missense changes on protein structure and function (PolyPhen-2) suggests that this variant is likely to be disruptive. Variants that disrupt the consensus splice site are a relatively common cause of aberrant splicing (PMID: 17576681, 9536098). Algorithms developed to predict the effect of sequence changes on RNA splicing suggest that this variant may disrupt the consensus splice site. In summary, the available evidence is currently insufficient to determine the role of this variant in disease. Therefore, it has been classified as a Variant of Uncertain Significance.

Literature cited by the submitters: PubMed 17576681; PubMed 9536098.

NM_020921.4(NIN):c.4664G>C (p.Trp1555Ser)

Gene: NIN (ninein; minus strand). Cytogenetic location: 14q22.1.
Variant type: single nucleotide variant.
Coding change: c.4664G>C on transcript NM_020921.4 (MANE Select); coding-DNA position 4664, G replaced by C.
Protein change: p.Trp1555Ser; replaces tryptophan 1555 with serine.
Molecular consequence: missense variant.
Genome position (GRCh38, 1-based): chr14:50,754,742, C>G on the plus strand (G>C on the coding strand, the complement: NIN is on the minus strand). VCF-style: chr14-50754742-C-G. GRCh37 (hg19) VCF-style: chr14-51221460-C-G.
Other names: c.2525G>C, p.Trp842Ser (NM_016350.5); c.4664G>C, p.Trp1555Ser (NM_182944.3, NM_182946.2); short protein forms W1555S, W842S.
Identifiers: ClinVar variation 2073269 (VCV002073269.4), dbSNP rs199889476, ClinGen allele CA7181551.